The following is an entry in ClinVar:

NM_130837.3(OPA1):c.350dup (p.Thr118fs)

Gene: OPA1 (OPA1 mitochondrial dynamin like GTPase; plus strand). Cytogenetic location: 3q29.
Variant type: Duplication.
Coding change: c.350dup on transcript NM_130837.3 (MANE Select); coding-DNA position 350, one base duplicated (A; older notation c.350dupA).
Protein change: p.Thr118fs; shifts the reading frame from threonine 118.
Molecular consequence: frameshift variant. On other transcripts: 5 prime UTR variant (2).
Genome position (GRCh38, 1-based): chr3:193,615,040, A duplicated; the last of 5 consecutive A bases (chr3:193,615,036-193,615,040); duplicating any one gives the same sequence. VCF-style (leftmost placement, unchanged base first): chr3-193615035-C-CA. GRCh37 (hg19) VCF-style: chr3-193332824-C-CA.
Other names: c.-23dup (NM_001354663.2, NM_001354664.2); c.350dup, p.Thr118fs (NM_015560.3, NM_130831.3, NM_130832.3 and 4 more transcripts); c.350dupA (NM_130837.2); short protein forms T118fs.
Identifiers: ClinVar variation 5002133 (VCV005002133.1).
Genomic context (GRCh38, chr3:193,615,035, plus strand): 5'-GAGACTCTTAAAACTTCGCTATCTCATACTAGGATCGGCTGTTGGGGGTGGCTACACAGC[C>CA]AAAAAGGTGAACTTGACATTCCTCCTGGTTTTCCAATTATTATATCATGATTAAGTTTCT-3'

ClinVar aggregate classification (germline): Likely pathogenic (1 of 4 stars; one submission).

Conditions:
OPA1-related disorder. Also called: OPA1-related disorders; OPA1-related condition.

Submission:

PreventionGenetics, part of Exact Sciences
Classification: Likely pathogenic for OPA1-related condition. Last evaluated: 2025-06-04. Review status: criteria provided, single submitter. Criteria: ACMG Guidelines, 2015. Collection method: clinical testing. Allele origin: germline.
Comment: The OPA1 c.350dupA variant is predicted to result in a frameshift and premature protein termination (p.Thr118Aspfs*3). To our knowledge, this variant has not been reported in the literature or in a large population database (gnomAD), indicating this variant is rare. Frameshift variants in OPA1 are expected to be pathogenic. This variant is interpreted as likely pathogenic.